The following is an entry in ClinVar:

NM_001844.5(COL2A1):c.1853G>A (p.Gly618Asp)

Gene: COL2A1 (collagen type II alpha 1 chain; minus strand). Cytogenetic location: 12q13.11.
Variant type: single nucleotide variant.
Coding change: c.1853G>A on transcript NM_001844.5 (MANE Select); coding-DNA position 1853, G replaced by A.
Protein change: p.Gly618Asp; replaces glycine 618 with aspartic acid.
Molecular consequence: missense variant.
Genome position (GRCh38, 1-based): chr12:47,984,580, C>T on the plus strand (G>A on the coding strand, the complement: COL2A1 is on the minus strand). VCF-style: chr12-47984580-C-T. GRCh37 (hg19) VCF-style: chr12-48378363-C-T.
Other names: c.1646G>A, p.Gly549Asp (NM_033150.3); short protein forms G549D, G618D.
Identifiers: ClinVar variation 1522723 (VCV001522723.8), dbSNP rs1480620991, ClinGen allele CA384549476.

ClinVar aggregate classification (germline): Likely pathogenic (1 of 4 stars; one submission).

Submission:

Labcorp Genetics (formerly Invitae), Labcorp
Classification: Likely pathogenic. Last evaluated: 2020-11-10. Review status: criteria provided, single submitter. Criteria: Invitae Variant Classification Sherloc (09022015). Collection method: clinical testing. Allele origin: germline.
Comment: This sequence change replaces glycine with aspartic acid at codon 618 of the COL2A1 protein (p.Gly618Asp). The glycine residue is highly conserved and there is a moderate physicochemical difference between glycine and aspartic acid. This variant is not present in population databases (ExAC no frequency). This variant has been observed in individual(s) with clinical features of COL2A1-related conditions (Invitae). Advanced modeling of protein sequence and biophysical properties (such as structural, functional, and spatial information, amino acid conservation, physicochemical variation, residue mobility, and thermodynamic stability) performed at Invitae indicates that this missense variant is expected to disrupt COL2A1 protein function. Glycine residues within the Gly-Xaa-Yaa repeats of the triple helix domain are required for the structure and stability of fibrillar collagens (PMID: 7695699, 8218237, 19344236). In COL2A1, missense variants at these glycine residues are significantly enriched in individuals with disease (PMID: 10612821, 26443184) compared to the general population (ExAC). In summary, the currently available evidence indicates that the variant is pathogenic, but additional data are needed to prove that conclusively. Therefore, this variant has been classified as Likely Pathogenic.

Literature cited by the submitters: PubMed 7695699; PubMed 8218237; PubMed 19344236; PubMed 10612821; PubMed 26443184.